The following is an entry in ClinVar:

NM_003001.5(SDHC):c.62A>C (p.Gln21Pro)

Gene: SDHC (succinate dehydrogenase complex subunit C; plus strand). Cytogenetic location: 1q23.3.
Variant type: single nucleotide variant.
Coding change: c.62A>C on transcript NM_003001.5 (MANE Select); coding-DNA position 62, A replaced by C.
Protein change: p.Gln21Pro; replaces glutamine 21 with proline.
Molecular consequence: missense variant. On other transcripts: 5 prime UTR variant (2), non-coding transcript variant (1), intron variant (4).
Genome position (GRCh38, 1-based): chr1:161,323,655, A>C. VCF-style: chr1-161323655-A-C. GRCh37 (hg19) VCF-style: chr1-161293445-A-C.
Other names: c.62A>C, p.Gln21Pro (NM_001035511.3, NM_001035512.3, NM_001278172.3 and 2 more transcripts); c.-50A>C (NM_001407119.1); c.-168A>C (NM_001407120.1); c.21-4741A>C (NM_001407116.1, NM_001407121.1, NM_001407117.1); c.20+9230A>C (NM_001035513.3); short protein forms Q21P.
Identifiers: ClinVar variation 3438783 (VCV003438783.1).
Genomic context (GRCh38, chr1:161,323,655, plus strand): 5'-TGATTCTCTTATCTTGCAGACACGTTGGTCGTCATTGCCTCCGAGCCCACTTTAGCCCTC[A>C]GCTCTGTATCAGAAAGTAAGTTTCTAAGTCTGGAGATTATTTATTTATTTTTTTTTTTGA-3'
Protein context (NP_002992.1, residues 11-31): RHCLRAHFSP[Gln21Pro]LCIRNAVPLG

ClinVar aggregate classification (germline): Uncertain significance (1 of 4 stars; one submission).

Conditions:
Hereditary cancer-predisposing syndrome. Also called: Tumor predisposition; Neoplastic Syndromes, Hereditary; Hereditary neoplastic syndrome; Hereditary Cancer Syndrome. Identifiers: Orphanet 140162, MedGen C0027672, MeSH D009386, MONDO:0015356.

Submission:

Ambry Genetics
Classification: Uncertain significance for Hereditary cancer-predisposing syndrome. Last evaluated: 2024-09-01. Review status: criteria provided, single submitter. Criteria: Ambry Variant Classification Scheme 2023. Collection method: clinical testing. Allele origin: germline.
Comment: The p.Q21P variant (also known as c.62A>C), located in coding exon 2 of the SDHC gene, results from an A to C substitution at nucleotide position 62. The glutamine at codon 21 is replaced by proline, an amino acid with similar properties. This amino acid position is conserved. In addition, the in silico prediction for this alteration is inconclusive. Based on the available evidence, the clinical significance of this variant remains unclear.